The following is an entry in ClinVar:

NM_000245.4(MET):c.2381C>G (p.Ser794Cys)

Gene: MET (MET proto-oncogene, receptor tyrosine kinase; plus strand). Cytogenetic location: 7q31.2.
Variant type: single nucleotide variant.
Coding change: c.2381C>G on transcript NM_000245.4 (MANE Select); coding-DNA position 2381, C replaced by G.
Protein change: p.Ser794Cys; replaces serine 794 with cysteine.
Molecular consequence: missense variant.
Genome position (GRCh38, 1-based): chr7:116,763,066, C>G. VCF-style: chr7-116763066-C-G. GRCh37 (hg19) VCF-style: chr7-116403120-C-G.
Other names: c.2435C>G (NM_001127500.2); c.2435C>G, p.Ser812Cys (NM_001127500.3); c.2381C>G, p.Ser794Cys (NM_001324401.3); c.1091C>G, p.Ser364Cys (NM_001324402.2); short protein forms S812C, S794C, S364C.
Identifiers: ClinVar variation 454213 (VCV000454213.12), dbSNP rs371939364, ClinGen allele CA4448485.
Genomic context (GRCh38, chr7:116,763,066, plus strand): 5'-CAAGCTGTATTCTGTTTACAGTGGATAATTGTGTCTTTCTCTAGGCATGTCAACATCGCT[C>G]TAATTCAGAGATAATCTGTTGTACCACTCCTTCCCTGCAACAGCTGAATCTGCAACTCCC-3'
Protein context (NP_000236.2, residues 784-804): RNFTVACQHR[Ser794Cys]NSEIICCTTP

ClinVar aggregate classification (germline): Uncertain significance. Review status: criteria provided, multiple submitters, no conflicts (2 of 4 stars). 3 submissions from 3 submitters: Uncertain significance (3). Last evaluated 2025-12-29.

Conditions:
Renal cell carcinoma. Identifiers: Orphanet 217071, MedGen C0007134, MeSH D002292, MONDO:0005086, HP:0005584.
Hereditary cancer-predisposing syndrome. Also called: Hereditary Cancer Syndrome; Hereditary neoplastic syndrome; Neoplastic Syndromes, Hereditary; Tumor predisposition. Identifiers: Orphanet 140162, MedGen C0027672, MeSH D009386, MONDO:0015356.

Allele frequency attached by ClinVar (database versions not stated): gnomAD exomes below 0.00001 and 0.00001; TOPMed below 0.00001; gnomAD 0.00001; ExAC 0.00002; ESP Exome Variant Server 0.00008.
gnomAD v4.1: 6 of 1,613,890 alleles (0.00037%); highest among the groups gnomAD compares: Non-Finnish European, 0.00025%; no homozygotes.

Submissions (3):

Labcorp Genetics (formerly Invitae), Labcorp
Classification: Uncertain significance for Renal cell carcinoma. Last evaluated: 2025-12-29. Review status: criteria provided, single submitter. Criteria: Invitae Variant Classification Sherloc (09022015). Collection method: clinical testing. Allele origin: germline.
Comment: This sequence change replaces serine, which is neutral and polar, with cysteine, which is neutral and slightly polar, at codon 812 of the MET protein (p.Ser812Cys). This variant is present in population databases (rs371939364, gnomAD 0.004%). This missense change has been observed in individual(s) with MET-related conditions (PMID: 37086329). ClinVar contains an entry for this variant (Variation ID: 454213). Invitae Evidence Modeling of protein sequence and biophysical properties (such as structural, functional, and spatial information, amino acid conservation, physicochemical variation, residue mobility, and thermodynamic stability) has been performed for this missense variant. However, the output from this modeling did not meet the statistical confidence thresholds required to predict the impact of this variant on MET protein function. In summary, the available evidence is currently insufficient to determine the role of this variant in disease. Therefore, it has been classified as a Variant of Uncertain Significance.

Ambry Genetics
Classification: Uncertain significance for Hereditary cancer-predisposing syndrome. Last evaluated: 2024-08-01. Review status: criteria provided, single submitter. Criteria: Ambry Variant Classification Scheme 2023. Collection method: clinical testing. Allele origin: germline.
Comment: The p.S812C variant (also known as c.2435C>G), located in coding exon 10 of the MET gene, results from a C to G substitution at nucleotide position 2435. The serine at codon 812 is replaced by cysteine, an amino acid with dissimilar properties. This amino acid position is conserved. In addition, this alteration is predicted to be tolerated by in silico analysis. Based on the available evidence, the clinical significance of this variant remains unclear.

Quest Diagnostics Nichols Institute San Juan Capistrano
Classification: Uncertain significance. Last evaluated: 2023-11-04. Review status: criteria provided, single submitter. Criteria: Quest Diagnostics criteria. Collection method: clinical testing. Allele origin: unknown.

Literature cited by the submitters: PubMed 37086329 (cited by Labcorp Genetics (formerly Invitae), Labcorp and Quest Diagnostics Nichols Institute San Juan Capistrano).